The following is an entry in ClinVar:

ClinVar aggregate classification (germline): Uncertain significance (1 of 4 stars; one submission).

Conditions:
BAP1-related tumor predisposition syndrome (TPDS1). Also called: COMMON Syndrome; TUMOR PREDISPOSITION SYNDROME 1; Tumor susceptibility linked to germline BAP1 mutations; BAP1 tumor predisposition syndrome. Identifiers: Orphanet 289539, MedGen C3280492, MONDO:0013692, OMIM 614327.

Submission:

Labcorp Genetics (formerly Invitae), Labcorp
Classification: Uncertain significance for BAP1-related tumor predisposition syndrome. Last evaluated: 2025-06-12. Review status: criteria provided, single submitter. Criteria: Invitae Variant Classification Sherloc (09022015). Collection method: clinical testing. Allele origin: germline.
Comment: This sequence change replaces aspartic acid, which is acidic and polar, with glutamic acid, which is acidic and polar, at codon 552 of the BAP1 protein (p.Asp552Glu). This variant is not present in population databases (gnomAD no frequency). This variant has not been reported in the literature in individuals affected with BAP1-related conditions. Invitae Evidence Modeling of protein sequence and biophysical properties (such as structural, functional, and spatial information, amino acid conservation, physicochemical variation, residue mobility, and thermodynamic stability) indicates that this missense variant is not expected to disrupt BAP1 protein function with a negative predictive value of 80%. In summary, the available evidence is currently insufficient to determine the role of this variant in disease. Therefore, it has been classified as a Variant of Uncertain Significance.

NM_004656.4(BAP1):c.1656T>G (p.Asp552Glu)

Gene: BAP1 (BRCA1 associated deubiquitinase 1; minus strand). Cytogenetic location: 3p21.1.
Variant type: single nucleotide variant.
Coding change: c.1656T>G on transcript NM_004656.4 (MANE Select); coding-DNA position 1656, T replaced by G.
Protein change: p.Asp552Glu; replaces aspartic acid 552 with glutamic acid.
Molecular consequence: missense variant.
Genome position (GRCh38, 1-based): chr3:52,403,489, A>C on the plus strand (T>G on the coding strand, the complement: BAP1 is on the minus strand). VCF-style: chr3-52403489-A-C. GRCh37 (hg19) VCF-style: chr3-52437505-A-C.
Other names: c.1602T>G, p.Asp534Glu (NM_001410772.1); short protein forms D552E, D534E.
Identifiers: ClinVar variation 4712977 (VCV004712977.1).